The following is an entry in ClinVar:

NM_002422.5(MMP3):c.626-14A>G

Gene: MMP3 (matrix metallopeptidase 3; minus strand). Cytogenetic location: 11q22.2.
Variant type: single nucleotide variant.
Coding change: c.626-14A>G on transcript NM_002422.5 (MANE Select); 14 bases into the intron before coding-DNA position 626, A replaced by G.
Molecular consequence: intron variant.
Genome position (GRCh38, 1-based): chr11:102,840,607, T>C on the plus strand (A>G on the coding strand, the complement: MMP3 is on the minus strand). VCF-style: chr11-102840607-T-C. GRCh37 (hg19) VCF-style: chr11-102711338-T-C.
Other names: NM_002422.3:c.626-14A>G.
Identifiers: ClinVar variation 403095 (VCV000403095.7), dbSNP rs591058, ClinGen allele CA6251038.

ClinVar aggregate classification (germline): Benign. Review status: criteria provided, multiple submitters, no conflicts (2 of 4 stars). 3 submissions from 3 submitters: Benign (3). Last evaluated 2018-11-12.

Allele frequency attached by ClinVar (database versions not stated): 1000 Genomes Project 0.64477; gnomAD exomes 0.51975 and 0.57910; ESP Exome Variant Server 0.54160; gnomAD 0.56536 and 0.57031; ExAC 0.57374; TOPMed 0.57449; 1000 Genomes Project 30x 0.63695.
gnomAD v4.1: 846,416 of 1,611,110 alleles (53%); highest among the groups gnomAD compares: East Asian, 68%; 226,949 homozygotes.

Submissions (3):

GeneDx
Classification: Benign. Last evaluated: 2018-11-12. Review status: criteria provided, single submitter. Criteria: GeneDx Variant Classification Process June 2021. Collection method: clinical testing. Allele origin: germline. Affected: yes.

Laboratory for Molecular Medicine, Mass General Brigham Personalized Medicine
Classification: Benign. Last evaluated: 2016-03-28. Review status: criteria provided, single submitter. Criteria: LMM Criteria. Collection method: clinical testing. Allele origin: germline.
Comment: Variant identified in a genome or exome case(s) and assessed due to predicted null impact of the variant or pathogenic assertions in the literature or databases. Disclaimer: This variant has not undergone full assessment. The following are preliminary notes: Frequency

Breakthrough Genomics
Classification: Benign. Review status: criteria provided, single submitter. Criteria: ACMG Guidelines, 2015. Collection method: not provided. Allele origin: germline. Inheritance: Unknown mechanism. Affected: yes.